The following is an entry in ClinVar:

NM_000075.4(CDK4):c.718C>G (p.Arg240Gly)

Genes: CDK4 (cyclin dependent kinase 4; minus strand), TSPAN31 (tetraspanin 31; plus strand). Cytogenetic location: 12q14.1.
Variant type: single nucleotide variant.
Coding change: c.718C>G on transcript NM_000075.4 (MANE Select); coding-DNA position 718, C replaced by G.
Protein change: p.Arg240Gly; replaces arginine 240 with glycine.
Molecular consequence: missense variant. On other transcripts: 3 prime UTR variant (3).
Genome position (GRCh38, 1-based): chr12:57,749,283, G>C on the plus strand (C>G on the coding strand, the complement: CDK4 is on the minus strand). VCF-style: chr12-57749283-G-C. GRCh37 (hg19) VCF-style: chr12-58143066-G-C.
Other names: c.*1993G>C (NM_001330168.2, NM_001330169.2, NM_005981.5); short protein forms R240G.
Identifiers: ClinVar variation 463478 (VCV000463478.12), dbSNP rs786203856, ClinGen allele CA385543519.

ClinVar aggregate classification (germline): Uncertain significance. Review status: criteria provided, multiple submitters, no conflicts (2 of 4 stars). 2 submissions from 2 submitters: Uncertain significance (2). Last evaluated 2025-07-03.

Conditions:
Familial melanoma. Also called: Hereditary melanoma; Hereditary cutaneous melanoma. Identifiers: Orphanet 618, MedGen C1512419, MONDO:0018961.
Hereditary cancer-predisposing syndrome. Also called: Neoplastic Syndromes, Hereditary; Hereditary Cancer Syndrome; Hereditary neoplastic syndrome; Tumor predisposition. Identifiers: Orphanet 140162, MedGen C0027672, MeSH D009386, MONDO:0015356.

Submissions (2):

Ambry Genetics
Classification: Uncertain significance for Hereditary cancer-predisposing syndrome. Last evaluated: 2025-07-03. Review status: criteria provided, single submitter. Criteria: Ambry Variant Classification Scheme 2023. Collection method: clinical testing. Allele origin: germline.
Comment: The p.R240G variant (also known as c.718C>G), located in coding exon 6 of the CDK4 gene, results from a C to G substitution at nucleotide position 718. The arginine at codon 240 is replaced by glycine, an amino acid with dissimilar properties. This amino acid position is not well conserved in available vertebrate species. In addition, this alteration is predicted to be tolerated by in silico analysis. Since supporting evidence is limited at this time, the clinical significance of this alteration remains unclear.

Labcorp Genetics (formerly Invitae), Labcorp
Classification: Uncertain significance for Familial melanoma. Last evaluated: 2024-03-15. Review status: criteria provided, single submitter. Criteria: Invitae Variant Classification Sherloc (09022015). Collection method: clinical testing. Allele origin: germline.
Comment: This sequence change replaces arginine, which is basic and polar, with glycine, which is neutral and non-polar, at codon 240 of the CDK4 protein (p.Arg240Gly). This variant is not present in population databases (gnomAD no frequency). This variant has not been reported in the literature in individuals affected with CDK4-related conditions. ClinVar contains an entry for this variant (Variation ID: 463478). Advanced modeling of protein sequence and biophysical properties (such as structural, functional, and spatial information, amino acid conservation, physicochemical variation, residue mobility, and thermodynamic stability) performed at Invitae indicates that this missense variant is not expected to disrupt CDK4 protein function with a negative predictive value of 95%. In summary, the available evidence is currently insufficient to determine the role of this variant in disease. Therefore, it has been classified as a Variant of Uncertain Significance.